The following is an entry in ClinVar:

NM_003322.6(TULP1):c.1087G>C (p.Gly363Arg)

Gene: TULP1 (TUB like protein 1; minus strand). Cytogenetic location: 6p21.31.
Variant type: single nucleotide variant.
Coding change: c.1087G>C on transcript NM_003322.6 (MANE Select); coding-DNA position 1087, G replaced by C.
Protein change: p.Gly363Arg; replaces glycine 363 with arginine.
Molecular consequence: missense variant.
Genome position (GRCh38, 1-based): chr6:35,505,766, C>G on the plus strand (G>C on the coding strand, the complement: TULP1 is on the minus strand). VCF-style: chr6-35505766-C-G. GRCh37 (hg19) VCF-style: chr6-35473543-C-G.
Other names: c.928G>C, p.Gly310Arg (NM_001289395.2); short protein forms G310R, G363R.
Identifiers: ClinVar variation 1046380 (VCV001046380.10), dbSNP rs1761067394, ClinGen allele CA363779652.

ClinVar aggregate classification (germline): Pathogenic (1 of 4 stars; one submission).

Submission:

Labcorp Genetics (formerly Invitae), Labcorp
Classification: Pathogenic. Last evaluated: 2024-04-25. Review status: criteria provided, single submitter. Criteria: Invitae Variant Classification Sherloc (09022015). Collection method: clinical testing. Allele origin: germline.
Comment: This sequence change replaces glycine, which is neutral and non-polar, with arginine, which is basic and polar, at codon 363 of the TULP1 protein (p.Gly363Arg). This variant is not present in population databases (gnomAD no frequency). This missense change has been observed in individuals with inherited retinal dystrophy (PMID: 26103963, 33921607, 34865612; Invitae). ClinVar contains an entry for this variant (Variation ID: 1046380). Advanced modeling of protein sequence and biophysical properties (such as structural, functional, and spatial information, amino acid conservation, physicochemical variation, residue mobility, and thermodynamic stability) performed at Invitae indicates that this missense variant is expected to disrupt TULP1 protein function with a positive predictive value of 95%. For these reasons, this variant has been classified as Pathogenic.

Literature cited by the submitters: PubMed 26103963; PubMed 33921607; PubMed 34865612.